The following is an entry in ClinVar:

NM_133497.4(KCNV2):c.1336C>G (p.His446Asp)

Gene: KCNV2 (potassium voltage-gated channel modifier subfamily V member 2; plus strand). Cytogenetic location: 9p24.2.
Variant type: single nucleotide variant.
Coding change: c.1336C>G on transcript NM_133497.4 (MANE Select); coding-DNA position 1336, C replaced by G.
Protein change: p.His446Asp; replaces histidine 446 with aspartic acid.
Molecular consequence: missense variant.
Genome position (GRCh38, 1-based): chr9:2,719,075, C>G. VCF-style: chr9-2719075-C-G. GRCh37 (hg19) VCF-style: chr9-2719075-C-G.
Other names: short protein forms H446D.
Identifiers: ClinVar variation 1491484 (VCV001491484.6), dbSNP rs755848294, ClinGen allele CA187974444.

ClinVar aggregate classification (germline): Uncertain significance (1 of 4 stars; one submission).

Submission:

Labcorp Genetics (formerly Invitae), Labcorp
Classification: Uncertain significance. Last evaluated: 2021-09-18. Review status: criteria provided, single submitter. Criteria: Invitae Variant Classification Sherloc (09022015). Collection method: clinical testing. Allele origin: germline.
Comment: This sequence change replaces histidine with aspartic acid at codon 446 of the KCNV2 protein (p.His446Asp). The histidine residue is highly conserved and there is a moderate physicochemical difference between histidine and aspartic acid. This variant is not present in population databases (ExAC no frequency). This variant has not been reported in the literature in individuals affected with KCNV2-related conditions. Advanced modeling of protein sequence and biophysical properties (such as structural, functional, and spatial information, amino acid conservation, physicochemical variation, residue mobility, and thermodynamic stability) performed at Invitae indicates that this missense variant is not expected to disrupt KCNV2 protein function. In summary, the available evidence is currently insufficient to determine the role of this variant in disease. Therefore, it has been classified as a Variant of Uncertain Significance.